The following is an entry in ClinVar:

ClinVar aggregate classification (germline): Uncertain significance. Review status: criteria provided, multiple submitters, no conflicts (2 of 4 stars). 5 submissions from 5 submitters: Uncertain significance (5). Last evaluated 2024-01-22.

Conditions:
MHC class II deficiency. Also called: Bare lymphocyte syndrome 2; BLS, TYPE II. Identifiers: Orphanet 572, MedGen C5447452, MONDO:0008855.

Allele frequency attached by ClinVar (database versions not stated): gnomAD 0.00016; TOPMed 0.00012; ESP Exome Variant Server 0.00015.
gnomAD v4.1: 154 of 1,614,046 alleles (0.0095%); highest among the groups gnomAD compares: Middle Eastern, 0.18%; no homozygotes.

Submissions (5):

Labcorp Genetics (formerly Invitae), Labcorp
Classification: Uncertain significance for MHC class II deficiency. Last evaluated: 2024-01-22. Review status: criteria provided, single submitter. Criteria: Invitae Variant Classification Sherloc (09022015). Collection method: clinical testing. Allele origin: germline.
Comment: This sequence change replaces glycine, which is neutral and non-polar, with arginine, which is basic and polar, at codon 14 of the RFX5 protein (p.Gly14Arg). This variant is present in population databases (rs143245407, gnomAD 0.1%). This variant has not been reported in the literature in individuals affected with RFX5-related conditions. ClinVar contains an entry for this variant (Variation ID: 292619). An algorithm developed to predict the effect of missense changes on protein structure and function (PolyPhen-2) suggests that this variant¬†is likely to be tolerated. In summary, the available evidence is currently insufficient to determine the role of this variant in disease. Therefore, it has been classified as a Variant of Uncertain Significance.

Genome-Nilou Lab
Classification: Uncertain significance for MHC class II deficiency 1. Last evaluated: 2023-04-11. Review status: criteria provided, single submitter. Criteria: ACMG Guidelines, 2015. Collection method: clinical testing. Allele origin: germline. Affected: no.

Fulgent Genetics
Classification: Uncertain significance for MHC class II deficiency 1. Last evaluated: 2022-03-18. Review status: criteria provided, single submitter. Criteria: ACMG Guidelines, 2015. Collection method: clinical testing. Allele origin: unknown.

Ambry Genetics
Classification: Uncertain significance. Last evaluated: 2021-12-06. Review status: criteria provided, single submitter. Criteria: Ambry Variant Classification Scheme 2023. Collection method: clinical testing. Allele origin: germline.

Illumina Laboratory Services, Illumina
Classification: Uncertain significance for MHC class II deficiency 1. Last evaluated: 2018-01-13. Review status: criteria provided, single submitter. Criteria: ICSL Variant Classification Criteria 13 December 2019. Collection method: clinical testing. Allele origin: germline.

NM_001025603.2(RFX5):c.40G>A (p.Gly14Arg)

Gene: RFX5 (regulatory factor X5; minus strand). Cytogenetic location: 1q21.3.
Variant type: single nucleotide variant.
Coding change: c.40G>A on transcript NM_001025603.2 (MANE Select); coding-DNA position 40, G replaced by A.
Protein change: p.Gly14Arg; replaces glycine 14 with arginine.
Molecular consequence: missense variant.
Genome position (GRCh38, 1-based): chr1:151,346,281, C>T on the plus strand (G>A on the coding strand, the complement: RFX5 is on the minus strand). VCF-style: chr1-151346281-C-T. GRCh37 (hg19) VCF-style: chr1-151318757-C-T.
Other names: c.40G>A, p.Gly14Arg (NM_000449.4, NM_001379412.1, NM_001379413.1 and 7 more transcripts); short protein forms G14R.
Identifiers: ClinVar variation 292619 (VCV000292619.13), dbSNP rs143245407, ClinGen allele CA1089972.
Genomic context (GRCh38, chr1:151,346,281, plus strand): 5'-GCCTCTGAAGAAGGGTGGTAGGTTCCCCAGCCTCAGCACCACCTGGGGGGGCCCTTCCCC[C>T]AGTCTTGGGGCTCTTAGCATCAGGCTCATCTTCTGCCATCCCGGCATGAGGGCTAGAATT-3'
Protein context (NP_001020774.1, residues 4-24): DEPDAKSPKT[Gly14Arg]GRAPPGGAEA